The following is an entry in ClinVar:

ClinVar aggregate classification (germline): Conflicting classifications of pathogenicity. Review status: criteria provided, conflicting classifications (1 of 4 stars). 3 submissions from 3 submitters: Uncertain significance (2); Likely benign (1). Last evaluated 2026-02-03.

Conditions:
Inborn genetic diseases. Identifiers: MedGen C0950123, MeSH D030342.
MYO18B-related disorder. Also called: MYO18B-related condition.

Allele frequency attached by ClinVar (database versions not stated): 1000 Genomes Project 30x 0.00094; 1000 Genomes Project 0.00120; ESP Exome Variant Server 0.00016.
gnomAD v4.1: 191 of 1,612,284 alleles (0.012%); highest among the groups gnomAD compares: African/African-American, 0.096%; 1 homozygote.

Submissions (3):

PreventionGenetics, part of Exact Sciences
Classification: Uncertain significance for MYO18B-related condition. Last evaluated: 2026-02-03. Review status: criteria provided, single submitter. Criteria: ACMG Guidelines, 2015. Collection method: clinical testing. Allele origin: germline.
Comment: The MYO18B c.1142C>T variant is predicted to result in the amino acid substitution p.Thr381Met. To our knowledge, this variant has not been reported in the literature. This variant is reported in 0.11% of alleles in individuals of African descent in gnomAD. Although we suspect that this variant may be benign, at this time, the clinical significance of this variant is uncertain due to the absence of conclusive functional and genetic evidence.

Ambry Genetics
Classification: Likely benign for Inborn genetic diseases. Last evaluated: 2024-09-25. Review status: criteria provided, single submitter. Criteria: Ambry Variant Classification Scheme 2023. Collection method: clinical testing. Allele origin: germline.

Labcorp Genetics (formerly Invitae), Labcorp
Classification: Uncertain significance. Last evaluated: 2023-07-18. Review status: criteria provided, single submitter. Criteria: Invitae Variant Classification Sherloc (09022015). Collection method: clinical testing. Allele origin: germline.
Comment: In summary, the available evidence is currently insufficient to determine the role of this variant in disease. Therefore, it has been classified as a Variant of Uncertain Significance. Algorithms developed to predict the effect of missense changes on protein structure and function output the following: SIFT: "Not Available"; PolyPhen-2: "Benign"; Align-GVGD: "Not Available". The methionine amino acid residue is found in multiple mammalian species, which suggests that this missense change does not adversely affect protein function. ClinVar contains an entry for this variant (Variation ID: 1447294). This variant has not been reported in the literature in individuals affected with MYO18B-related conditions. This variant is present in population databases (rs202133740, gnomAD 0.1%). This sequence change replaces threonine, which is neutral and polar, with methionine, which is neutral and non-polar, at codon 381 of the MYO18B protein (p.Thr381Met).

NM_032608.7(MYO18B):c.1142C>T (p.Thr381Met)

Gene: MYO18B (myosin XVIIIB; plus strand). Cytogenetic location: 22q12.1.
Variant type: single nucleotide variant.
Coding change: c.1142C>T on transcript NM_032608.7 (MANE Select); coding-DNA position 1142, C replaced by T.
Protein change: p.Thr381Met; replaces threonine 381 with methionine.
Molecular consequence: missense variant.
Genome position (GRCh38, 1-based): chr22:25,769,058, C>T. VCF-style: chr22-25769058-C-T. GRCh37 (hg19) VCF-style: chr22-26165025-C-T.
Other names: c.1142C>T (NM_032608.6, NM_032608.5); c.1142C>T, p.Thr381Met (NM_001318245.2); short protein forms T381M.
Identifiers: ClinVar variation 1447294 (VCV001447294.6), dbSNP rs202133740, ClinGen allele CA10159763.